The following is an entry in ClinVar:

NM_016128.4(COPG1):c.366C>T (p.Gly122=)

Gene: COPG1 (coat protein complex I subunit gamma 1; plus strand). Cytogenetic location: 3q21.3.
Variant type: single nucleotide variant.
Coding change: c.366C>T on transcript NM_016128.4 (MANE Select); coding-DNA position 366, C replaced by T.
Protein change: p.Gly122=; no amino-acid change (glycine 122 retained).
Molecular consequence: synonymous variant.
Genome position (GRCh38, 1-based): chr3:129,254,710, C>T. VCF-style: chr3-129254710-C-T. GRCh37 (hg19) VCF-style: chr3-128973553-C-T.
Identifiers: ClinVar variation 2654121 (VCV002654121.24), dbSNP rs1256193425, ClinGen allele CA435592405.

ClinVar aggregate classification (germline): Likely benign (1 of 4 stars; one submission).

Allele frequency attached by ClinVar (database versions not stated): gnomAD exomes 0.00001.
gnomAD v4.1: 11 of 1,614,126 alleles (0.00068%); highest among the groups gnomAD compares: East Asian, 0.0022%; no homozygotes.

Submission:

CeGaT Center for Human Genetics Tuebingen
Classification: Likely benign. Last evaluated: 2023-08-01. Review status: criteria provided, single submitter. Criteria: CeGaT Center For Human Genetics Tuebingen Variant Classification Criteria Version 2. Collection method: clinical testing. Allele origin: germline. Affected: yes. Observed: 1 variant allele.
Comment: COPG1: BP4, BP7